The following is an entry in ClinVar:

ClinVar aggregate classification (germline): Benign/Likely benign. Review status: criteria provided, multiple submitters, no conflicts (2 of 4 stars). 3 submissions from 3 submitters: Benign (1); Likely benign (2). Last evaluated 2024-07-18.

Conditions:
Familial cancer of breast. Also called: BREAST CANCER, FAMILIAL; Hereditary breast cancer; hereditary breast carcinoma. Identifiers: Orphanet 227535, MedGen C0346153, MONDO:0016419, OMIM 114480. Disease mechanism: loss of function.
Hereditary cancer-predisposing syndrome. Also called: Hereditary Cancer Syndrome; Neoplastic Syndromes, Hereditary; Tumor predisposition; Hereditary neoplastic syndrome. Identifiers: Orphanet 140162, MedGen C0027672, MeSH D009386, MONDO:0015356.

Allele frequency attached by ClinVar (database versions not stated): gnomAD exomes below 0.00001; gnomAD 0.00001; ExAC 0.00002.

Submissions (3):

Myriad Genetics, Inc.
Classification: Benign for Familial cancer of breast. Last evaluated: 2024-07-18. Review status: criteria provided, single submitter. Criteria: Myriad Autosomal Dominant, Autosomal Recessive and X-Linked Classification Criteria (2023). Collection method: clinical testing. Allele origin: unknown.
Comment: This variant is considered benign. This variant is a silent/synonymous amino acid change and it is not expected to impact splicing.

Labcorp Genetics (formerly Invitae), Labcorp
Classification: Likely benign for Familial cancer of breast. Last evaluated: 2022-06-25. Review status: criteria provided, single submitter. Criteria: Invitae Variant Classification Sherloc (09022015). Collection method: clinical testing. Allele origin: germline.

Ambry Genetics
Classification: Likely benign for Hereditary cancer-predisposing syndrome. Last evaluated: 2017-08-11. Review status: criteria provided, single submitter. Criteria: Ambry Variant Classification Scheme 2023. Collection method: clinical testing. Allele origin: germline.

NM_000465.4(BARD1):c.141G>A (p.Leu47=)

Gene: BARD1 (BRCA1 associated RING domain 1; minus strand). Cytogenetic location: 2q35.
Variant type: single nucleotide variant.
Coding change: c.141G>A on transcript NM_000465.4 (MANE Select); coding-DNA position 141, G replaced by A.
Protein change: p.Leu47=; no amino-acid change (leucine 47 retained).
Molecular consequence: synonymous variant. On other transcripts: non-coding transcript variant (3).
Genome position (GRCh38, 1-based): chr2:214,809,429, C>T on the plus strand (G>A on the coding strand, the complement: BARD1 is on the minus strand). VCF-style: chr2-214809429-C-T. GRCh37 (hg19) VCF-style: chr2-215674153-C-T.
Other names: c.141G>A, p.Leu47= (NM_001282545.2, NM_001282549.2, NM_001282548.2 and 1 more transcripts).
Identifiers: ClinVar variation 481420 (VCV000481420.16), dbSNP rs760186732, ClinGen allele CA2090510.
Genomic context (GRCh38, chr2:214,809,429, plus strand): 5'-GACCCGTGCCCTCGCAGCCACCCCCAAGAAGCTCCGTCTTTACCAACGCGAGCAGCGCAG[C>T]AGCTTCTCCAGGCGGTCGAGCGCGGCGCGACTGTGGGCCCAGGCACCGCGACCATCCGGT-3'
Protein context (NP_000456.2, residues 37-57): SRAALDRLEK[Leu47=]LRCSRCTNIL